The following is an entry in ClinVar:

NM_014694.4(ADAMTSL2):c.900C>T (p.Ile300=)

Gene: ADAMTSL2 (ADAMTS like 2; plus strand). Cytogenetic location: 9q34.2.
Variant type: single nucleotide variant.
Coding change: c.900C>T on transcript NM_014694.4 (MANE Select); coding-DNA position 900, C replaced by T.
Protein change: p.Ile300=; no amino-acid change (isoleucine 300 retained).
Molecular consequence: synonymous variant.
Genome position (GRCh38, 1-based): chr9:133,547,174, C>T. VCF-style: chr9-133547174-C-T. GRCh37 (hg19) VCF-style: chr9-136412296-C-T.
Other names: c.900C>T, p.Ile300= (NM_001145320.2).
Identifiers: ClinVar variation 365584 (VCV000365584.11), dbSNP rs2073877, ClinGen allele CA5312791.

ClinVar aggregate classification (germline): Benign. Review status: criteria provided, multiple submitters, no conflicts (2 of 4 stars). 6 submissions from 6 submitters: Benign (4). 2 of the submissions do not count toward it. Last evaluated 2026-05-08.

Conditions:
Geleophysic dysplasia 1 (GPHYSD1). Also called: Geleophysic dwarfism. Identifiers: Orphanet 2623, MedGen C3278147, MONDO:0009269, OMIM 231050.

Allele frequency attached by ClinVar (database versions not stated): TOPMed 0.09780; ESP Exome Variant Server 0.09803; gnomAD 0.11080 and 0.10895; gnomAD exomes 0.13169; 1000 Genomes Project 0.09585; 1000 Genomes Project 30x 0.09213.
gnomAD v4.1: 208,985 of 1,613,854 alleles (13%); highest among the groups gnomAD compares: East Asian, 16%; 14,541 homozygotes.

Submissions (6):

Women's Health and Genetics/Laboratory Corporation of America, LabCorp
Classification: Benign. Last evaluated: 2026-05-08. Review status: criteria provided, single submitter. Criteria: LabCorp Variant Classification Summary - May 2015. Collection method: clinical testing. Allele origin: germline.

GeneDx
Classification: Benign. Last evaluated: 2018-06-13. Review status: criteria provided, single submitter. Criteria: GeneDx Variant Classification (06012015). Collection method: clinical testing. Allele origin: germline. Affected: yes.
Comment: This variant is considered likely benign or benign based on one or more of the following criteria: it is a conservative change, it occurs at a poorly conserved position in the protein, it is predicted to be benign by multiple in silico algorithms, and/or has population frequency not consistent with disease.

Illumina Laboratory Services, Illumina
Classification: Benign for Geleophysic dysplasia 1. Last evaluated: 2018-01-13. Review status: criteria provided, single submitter. Criteria: ICSL Variant Classification Criteria 13 December 2019. Collection method: clinical testing. Allele origin: germline.
Comment: This variant was observed in the ICSL laboratory as part of a predisposition screen in an ostensibly healthy population. It had not been previously curated by ICSL or reported in the Human Gene Mutation Database (HGMD: prior to June 1st, 2018), and was therefore a candidate for classification through an automated scoring system. Utilizing variant allele frequency, disease prevalence and penetrance estimates, and inheritance mode, an automated score was calculated to assess if this variant is too frequent to cause the disease. Based on the score and internal cut-off values, a variant classified as benign is not then subjected to further curation. The score for this variant resulted in a classification of benign for this disease.

Breakthrough Genomics
Classification: Benign. Review status: criteria provided, single submitter. Criteria: ACMG Guidelines, 2015. Collection method: not provided. Allele origin: germline. Inheritance: Autosomal recessive inheritance. Affected: yes.

Genome Diagnostics Laboratory, Amsterdam University Medical Center
Classification: Benign. Review status: no assertion criteria provided. Collection method: clinical testing. Allele origin: germline. Affected: yes. Study: VKGL Data-share Consensus. Not counted in ClinVar's aggregate classification.

Joint Genome Diagnostic Labs from Nijmegen and Maastricht, Radboudumc and MUMC+
Classification: Benign. Review status: no assertion criteria provided. Collection method: clinical testing. Allele origin: germline. Affected: yes. Study: VKGL Data-share Consensus. Not counted in ClinVar's aggregate classification.